The following is an entry in ClinVar:

ClinVar aggregate classification (germline): Uncertain significance. Review status: criteria provided, multiple submitters, no conflicts (2 of 4 stars). 2 submissions from 2 submitters: Uncertain significance (2). Last evaluated 2025-10-01.

Conditions:
Hereditary cancer-predisposing syndrome. Also called: Hereditary Cancer Syndrome; Tumor predisposition; Hereditary neoplastic syndrome; Neoplastic Syndromes, Hereditary. Identifiers: Orphanet 140162, MedGen C0027672, MeSH D009386, MONDO:0015356.
Carney-Stratakis syndrome. Also called: PARAGANGLIOMA AND GASTROINTESTINAL STROMAL TUMOR. Identifiers: Orphanet 97286, MedGen C1847319, MONDO:0011740, OMIM 606864.
Paragangliomas with sensorineural hearing loss. Identifiers: MedGen C1868633.
Pheochromocytoma. Also called: MAX-Related Hereditary Paraganglioma-Pheochromocytoma Syndrome. Identifiers: Orphanet 29072, MedGen C0031511, MONDO:0008233, OMIM 171300, HP:0002666.
Cowden syndrome 3 (CWS3). Identifiers: Orphanet 201, MedGen CN166604, MONDO:0014045.

Allele frequency attached by ClinVar (database versions not stated): gnomAD exomes below 0.00001.

Submissions (2):

Labcorp Genetics (formerly Invitae), Labcorp
Classification: Uncertain significance for Carney-Stratakis syndrome; Paragangliomas with sensorineural hearing loss; Pheochromocytoma; Cowden syndrome 3. Last evaluated: 2025-10-01. Review status: criteria provided, single submitter. Criteria: Invitae Variant Classification Sherloc (09022015). Collection method: clinical testing. Allele origin: germline.
Comment: This sequence change replaces valine, which is neutral and non-polar, with phenylalanine, which is neutral and non-polar, at codon 71 of the SDHD protein (p.Val71Phe). This variant is present in population databases (no rsID available, gnomAD 0.0009%). This variant has not been reported in the literature in individuals affected with SDHD-related conditions. ClinVar contains an entry for this variant (Variation ID: 1047081). Invitae Evidence Modeling of protein sequence and biophysical properties (such as structural, functional, and spatial information, amino acid conservation, physicochemical variation, residue mobility, and thermodynamic stability) indicates that this missense variant is not expected to disrupt SDHD protein function with a negative predictive value of 80%. In summary, the available evidence is currently insufficient to determine the role of this variant in disease. Therefore, it has been classified as a Variant of Uncertain Significance.

Ambry Genetics
Classification: Uncertain significance for Hereditary cancer-predisposing syndrome. Last evaluated: 2023-08-30. Review status: criteria provided, single submitter. Criteria: Ambry Variant Classification Scheme 2023. Collection method: clinical testing. Allele origin: germline.
Comment: The p.V71F variant (also known as c.211G>T), located in coding exon 3 of the SDHD gene, results from a G to T substitution at nucleotide position 211. The valine at codon 71 is replaced by phenylalanine, an amino acid with highly similar properties. This amino acid position is conserved. In addition, this alteration is predicted to be deleterious by in silico analysis. Since supporting evidence is limited at this time, the clinical significance of this alteration remains unclear.

NM_003002.4(SDHD):c.211G>T (p.Val71Phe)

Gene: SDHD (succinate dehydrogenase complex subunit D; plus strand). Cytogenetic location: 11q23.1.
Variant type: single nucleotide variant.
Coding change: c.211G>T on transcript NM_003002.4 (MANE Select); coding-DNA position 211, G replaced by T.
Protein change: p.Val71Phe; replaces valine 71 with phenylalanine.
Molecular consequence: missense variant. On other transcripts: non-coding transcript variant (1), intron variant (1).
Genome position (GRCh38, 1-based): chr11:112,088,908, G>T. VCF-style: chr11-112088908-G-T. GRCh37 (hg19) VCF-style: chr11-111959632-G-T.
Other names: c.211G>T (NM_003002.2); c.94G>T, p.Val32Phe (NM_001276504.2); c.211G>T, p.Val71Phe (NM_001276506.2); c.169+935G>T (NM_001276503.2); short protein forms V32F, V71F.
Identifiers: ClinVar variation 1047081 (VCV001047081.11), dbSNP rs1428042303, ClinGen allele CA382617238.